The following is an entry in ClinVar:

NM_018418.5(SPATA7):c.631C>T (p.His211Tyr)

Gene: SPATA7 (spermatogenesis associated 7; plus strand). Cytogenetic location: 14q31.3.
Variant type: single nucleotide variant.
Coding change: c.631C>T on transcript NM_018418.5 (MANE Select); coding-DNA position 631, C replaced by T.
Protein change: p.His211Tyr; replaces histidine 211 with tyrosine.
Molecular consequence: missense variant.
Genome position (GRCh38, 1-based): chr14:88,426,490, C>T. VCF-style: chr14-88426490-C-T. GRCh37 (hg19) VCF-style: chr14-88892834-C-T.
Other names: c.535C>T, p.His179Tyr (NM_001040428.4); short protein forms H179Y, H211Y.
Identifiers: ClinVar variation 3355636 (VCV003355636.1).
Genomic context (GRCh38, chr14:88,426,490, plus strand): 5'-CGGAAACTGAGCTCTGGAGCCCTGTATGGCAGAAGGCCCAGAAGCACATTCCCAAATTCC[C>T]ACCGGTTTCAGTTAGTCATTTCGAAAGCACCCAGTGGGGATCTTTTGGATAAACATTCTG-3'
Protein context (NP_060888.2, residues 201-221): RRPRSTFPNS[His211Tyr]RFQLVISKAP

ClinVar aggregate classification (germline): Uncertain significance (0 of 4 stars; one submission).

Conditions:
SPATA7-related disorder. Also called: SPATA7-related disorders; SPATA7-related condition. Identifiers: MedGen CN239422.

Submission:

PreventionGenetics, part of Exact Sciences
Classification: Uncertain significance for SPATA7-related condition. Last evaluated: 2024-05-21. Review status: no assertion criteria provided. Collection method: clinical testing. Allele origin: germline.
Comment: The SPATA7 c.631C>T variant is predicted to result in the amino acid substitution p.His211Tyr. To our knowledge, this variant has not been reported in the literature or in a large population database, indicating this variant is rare. At this time, the clinical significance of this variant is uncertain due to the absence of conclusive functional and genetic evidence.